The following is an entry in ClinVar:

ClinVar aggregate classification (germline): Conflicting classifications of pathogenicity. Review status: criteria provided, conflicting classifications (1 of 4 stars). 3 submissions from 3 submitters: Uncertain significance (2); Likely benign (1). Last evaluated 2025-06-01.

Conditions:
Short stature-optic atrophy-Pelger-Huët anomaly syndrome. Also called: Short stature, optic nerve atrophy, and Pelger-Huet anomaly; Short stature-optic atrophy-Pelger-HuC+t anomaly syndrome. Identifiers: Orphanet 391677, MedGen C3541319, MONDO:0013889, OMIM 614800.
Infantile liver failure syndrome 2 (ILFS2). Identifiers: MedGen C3809651, MONDO:0014659, OMIM 616483.

Allele frequency attached by ClinVar (database versions not stated): ExAC 0.00002; gnomAD 0.00003; gnomAD exomes 0.00003 and 0.00007; TOPMed 0.00005; ESP Exome Variant Server 0.00008.
gnomAD v4.1: 115 of 1,614,094 alleles (0.0071%); highest among the groups gnomAD compares: Non-Finnish European, 0.0089%; no homozygotes.

Submissions (3):

CeGaT Center for Human Genetics Tuebingen
Classification: Uncertain significance. Last evaluated: 2025-06-01. Review status: criteria provided, single submitter. Criteria: CeGaT Center For Human Genetics Tuebingen Variant Classification Criteria Version 2. Collection method: clinical testing. Allele origin: germline. Affected: yes. Observed: 1 variant allele.
Comment: NBAS: PM2:Supporting, BP4

Labcorp Genetics (formerly Invitae), Labcorp
Classification: Likely benign. Last evaluated: 2025-03-17. Review status: criteria provided, single submitter. Criteria: Invitae Variant Classification Sherloc (09022015). Collection method: clinical testing. Allele origin: germline.

Fulgent Genetics
Classification: Uncertain significance for Short stature-optic atrophy-Pelger-Huët anomaly syndrome; Infantile liver failure syndrome 2. Last evaluated: 2022-04-07. Review status: criteria provided, single submitter. Criteria: ACMG Guidelines, 2015. Collection method: clinical testing. Allele origin: unknown.

NM_015909.4(NBAS):c.7003C>T (p.Arg2335Trp)

Gene: NBAS (NBAS subunit of NRZ tethering complex; minus strand). Cytogenetic location: 2p24.3.
Variant type: single nucleotide variant.
Coding change: c.7003C>T on transcript NM_015909.4 (MANE Select); coding-DNA position 7003, C replaced by T.
Protein change: p.Arg2335Trp; replaces arginine 2335 with tryptophan.
Molecular consequence: missense variant. On other transcripts: non-coding transcript variant (1).
Genome position (GRCh38, 1-based): chr2:15,167,161, G>A on the plus strand (C>T on the coding strand, the complement: NBAS is on the minus strand). VCF-style: chr2-15167161-G-A. GRCh37 (hg19) VCF-style: chr2-15307285-G-A.
Other names: short protein forms R2335W.
Identifiers: ClinVar variation 1389520 (VCV001389520.17), dbSNP rs372119905, ClinGen allele CA1534799.